The following is an entry in ClinVar:

ClinVar aggregate classification (germline): Uncertain significance. Review status: criteria provided, multiple submitters, no conflicts (2 of 4 stars). 3 submissions from 3 submitters: Uncertain significance (3). Last evaluated 2026-01-18.

Conditions:
Inborn genetic diseases. Identifiers: MedGen C0950123, MeSH D030342.
Meier-Gorlin syndrome 1 (MGORS1). Also called: EAR, PATELLA, SHORT STATURE SYNDROME. Identifiers: Orphanet 2554, MedGen C4552001, MONDO:0009143, OMIM 224690.

Allele frequency attached by ClinVar (database versions not stated): gnomAD exomes 0.00001 and 0.00007; gnomAD 0.00003; TOPMed 0.00003; ExAC 0.00007.

Submissions (3):

Labcorp Genetics (formerly Invitae), Labcorp
Classification: Uncertain significance. Last evaluated: 2026-01-18. Review status: criteria provided, single submitter. Criteria: Invitae Variant Classification Sherloc (09022015). Collection method: clinical testing. Allele origin: germline.
Comment: This sequence change replaces cysteine, which is neutral and slightly polar, with arginine, which is basic and polar, at codon 186 of the ORC1 protein (p.Cys186Arg). This variant is present in population databases (rs760479580, gnomAD 0.1%). This variant has not been reported in the literature in individuals affected with ORC1-related conditions. ClinVar contains an entry for this variant (Variation ID: 874013). An algorithm developed to predict the effect of missense changes on protein structure and function outputs the following: PolyPhen-2: "Benign". The arginine amino acid residue is found in multiple mammalian species, which suggests that this missense change does not adversely affect protein function. In summary, the available evidence is currently insufficient to determine the role of this variant in disease. Therefore, it has been classified as a Variant of Uncertain Significance.

Ambry Genetics
Classification: Uncertain significance for Inborn genetic diseases. Last evaluated: 2023-02-16. Review status: criteria provided, single submitter. Criteria: Ambry Variant Classification Scheme 2023. Collection method: clinical testing. Allele origin: germline.

Illumina Laboratory Services, Illumina
Classification: Uncertain significance for Meier-Gorlin syndrome 1. Last evaluated: 2018-01-12. Review status: criteria provided, single submitter. Criteria: ICSL Variant Classification Criteria 13 December 2019. Collection method: clinical testing. Allele origin: germline.

NM_004153.4(ORC1):c.556T>C (p.Cys186Arg)

Gene: ORC1 (origin recognition complex subunit 1; minus strand). Cytogenetic location: 1p32.3.
Variant type: single nucleotide variant.
Coding change: c.556T>C on transcript NM_004153.4 (MANE Select); coding-DNA position 556, T replaced by C.
Protein change: p.Cys186Arg; replaces cysteine 186 with arginine.
Molecular consequence: missense variant.
Genome position (GRCh38, 1-based): chr1:52,396,211, A>G on the plus strand (T>C on the coding strand, the complement: ORC1 is on the minus strand). VCF-style: chr1-52396211-A-G. GRCh37 (hg19) VCF-style: chr1-52861883-A-G.
Other names: c.556T>C, p.Cys186Arg (NM_001190818.2, NM_001190819.2); short protein forms C186R.
Identifiers: ClinVar variation 874013 (VCV000874013.7), dbSNP rs760479580, ClinGen allele CA853564.